The following is an entry in ClinVar:

ClinVar aggregate classification (germline): Uncertain significance (1 of 4 stars; one submission).

Submission:

Ambry Genetics
Classification: Uncertain significance. Last evaluated: 2026-09-12. Review status: criteria provided, single submitter. Criteria: Ambry Variant Classification Scheme 2023. Collection method: clinical testing. Allele origin: germline.
Comment: The p.S14N variant (also known as c.41G>A), located in coding exon 1 of the GFI1 gene, results from a G to A substitution at nucleotide position 41. The serine at codon 14 is replaced by asparagine, an amino acid with highly similar properties. This amino acid position is conserved. In addition, this alteration is predicted to be tolerated by in silico analysis. Based on the available evidence, the clinical significance of this variant remains unclear.

NM_005263.5(GFI1):c.41G>A (p.Ser14Asn)

Gene: GFI1 (growth factor independent 1 transcriptional repressor; minus strand). Cytogenetic location: 1p22.1.
Variant type: single nucleotide variant.
Coding change: c.41G>A on transcript NM_005263.5 (MANE Select); coding-DNA position 41, G replaced by A.
Protein change: p.Ser14Asn; replaces serine 14 with asparagine.
Molecular consequence: missense variant.
Genome position (GRCh38, 1-based): chr1:92,483,447, C>T on the plus strand (G>A on the coding strand, the complement: GFI1 is on the minus strand). VCF-style: chr1-92483447-C-T. GRCh37 (hg19) VCF-style: chr1-92949004-C-T.
Other names: c.41G>A, p.Ser14Asn (NM_001127215.3, NM_001127216.3); short protein forms S14N.
Identifiers: ClinVar variation 5022408 (VCV005022408.1).
Genomic context (GRCh38, chr1:92,483,447, plus strand): 5'-GCCGGTACATTCTCTAAACGGAGGGAATAGTCTGGTCCTGGGGAGCGCGGCTGGTGGTAG[C>T]TGTGAGCCTTCTTGCTTTTGACGAGAAATGAGCGCGGCATGGTGGTCCGGCACTTTCCCC-3'
Protein context (NP_005254.2, residues 4-24): SFLVKSKKAH[Ser14Asn]YHQPRSPGPD